The following is an entry in ClinVar:

ClinVar aggregate classification (germline): Likely benign (1 of 4 stars; one submission).

Conditions:
Hereditary spastic paraplegia 30. Identifiers: Orphanet 101010, MedGen C5235139, MONDO:0012476.
Neuropathy, hereditary sensory, type 2C. Also called: Hereditary sensory and autonomic neuropathy type IIC; KIF1A-Related HSAN2 (HSAN2C). Identifiers: Orphanet 970, MedGen C3280168, MONDO:0013634, OMIM 614213.
Intellectual disability, autosomal dominant 9 (NESCAVS). Also called: NESCAV SYNDROME; KIF1A-Related Neurodevelopmental Disorder. Identifiers: Orphanet 662367, MedGen C5393830, MONDO:0013656, OMIM 614255.

gnomAD v4.1: 4 of 1,613,228 alleles (0.00025%); highest among the groups gnomAD compares: Non-Finnish European, 0.00034%; no homozygotes.

Submission:

Labcorp Genetics (formerly Invitae), Labcorp
Classification: Likely benign for Hereditary spastic paraplegia 30; Neuropathy, hereditary sensory, type 2C; Intellectual disability, autosomal dominant 9. Last evaluated: 2024-05-08. Review status: criteria provided, single submitter. Criteria: Invitae Variant Classification Sherloc (09022015). Collection method: clinical testing. Allele origin: germline.

NM_001244008.2(KIF1A):c.1264C>A (p.Arg422Ser)

Gene: KIF1A (kinesin family member 1A; minus strand). Cytogenetic location: 2q37.3.
Variant type: single nucleotide variant.
Coding change: c.1264C>A on transcript NM_001244008.2 (MANE Select); coding-DNA position 1264, C replaced by A.
Protein change: p.Arg422Ser; replaces arginine 422 with serine.
Molecular consequence: missense variant.
Genome position (GRCh38, 1-based): chr2:240,771,048, G>T on the plus strand (C>A on the coding strand, the complement: KIF1A is on the minus strand). VCF-style: chr2-240771048-G-T. GRCh37 (hg19) VCF-style: chr2-241710465-G-T.
Other names: c.1264C>A, p.Arg422Ser (NM_001320705.2, NM_001330289.2, NM_001379638.1); c.1339C>A, p.Arg447Ser (NM_001330290.2, NM_001379631.1, NM_001379634.1 and 2 more transcripts); c.1237C>A, p.Arg413Ser (NM_001379632.1, NM_001379633.1, NM_001379636.1 and 11 more transcripts); c.1312C>A, p.Arg438Ser (NM_001379637.1, NM_001379648.1); c.1237C>A (NM_004321.6); short protein forms R438S, R413S, R422S, R447S.
Identifiers: ClinVar variation 1959032 (VCV001959032.7), dbSNP rs374011613, ClinGen allele CA351330558.